The following is an entry in ClinVar:

NM_000548.5(TSC2):c.2221-16T>C

Gene: TSC2 (TSC complex subunit 2; plus strand). Cytogenetic location: 16p13.3.
Variant type: single nucleotide variant.
Coding change: c.2221-16T>C on transcript NM_000548.5 (MANE Select); 16 bases into the intron before coding-DNA position 2221, T replaced by C.
Molecular consequence: intron variant.
Genome position (GRCh38, 1-based): chr16:2,072,833, T>C. VCF-style: chr16-2072833-T-C. GRCh37 (hg19) VCF-style: chr16-2122834-T-C.
Other names: c.2221-16T>C (NM_001114382.3, NM_021055.3, NM_001370405.1 and 3 more transcripts); c.2110-16T>C (NM_001318827.2); c.1621-16T>C (NM_001318831.2); c.2074-16T>C (NM_001318829.2); c.2254-16T>C (NM_001318832.2).
Identifiers: ClinVar variation 1621126 (VCV001621126.9), dbSNP rs956986385, ClinGen allele CA276739942.

ClinVar aggregate classification (germline): Likely benign. Review status: criteria provided, multiple submitters, no conflicts (2 of 4 stars). 2 submissions from 2 submitters: Likely benign (2). Last evaluated 2025-12-12.

Conditions:
Tuberous sclerosis 2 (TSC2). Identifiers: Orphanet 805, MedGen C1860707, MONDO:0013199, OMIM 613254.

Allele frequency attached by ClinVar (database versions not stated): TOPMed 0.00001; gnomAD exomes below 0.00001.
gnomAD v4.1: 1 of 1,613,462 alleles (0.000062%); highest among the groups gnomAD compares: African/African-American, 0.0013%; no homozygotes.

Submissions (2):

Labcorp Genetics (formerly Invitae), Labcorp
Classification: Likely benign for Tuberous sclerosis 2. Last evaluated: 2025-12-12. Review status: criteria provided, single submitter. Criteria: Invitae Variant Classification Sherloc (09022015). Collection method: clinical testing. Allele origin: germline.

Myriad Genetics, Inc.
Classification: Likely benign for Tuberous sclerosis 2. Last evaluated: 2025-05-19. Review status: criteria provided, single submitter. Criteria: Myriad Autosomal Dominant, Autosomal Recessive and X-Linked Classification Criteria (2023). Collection method: clinical testing. Allele origin: unknown.
Comment: This variant is considered likely benign. This variant is intronic and is not expected to impact mRNA splicing.